The following is an entry in ClinVar:

NM_006947.4(SRP72):c.1890T>C (p.Ser630=)

Gene: SRP72 (signal recognition particle 72; plus strand). Cytogenetic location: 4q12.
Variant type: single nucleotide variant.
Coding change: c.1890T>C on transcript NM_006947.4 (MANE Select); coding-DNA position 1890, T replaced by C.
Protein change: p.Ser630=; no amino-acid change (serine 630 retained).
Molecular consequence: synonymous variant. On other transcripts: non-coding transcript variant (1).
Genome position (GRCh38, 1-based): chr4:56,501,735, T>C. VCF-style: chr4-56501735-T-C. GRCh37 (hg19) VCF-style: chr4-57367901-T-C.
Other names: c.1707T>C, p.Ser569= (NM_001267722.2).
Identifiers: ClinVar variation 3353468 (VCV003353468.2).
Genomic context (GRCh38, chr4:56,501,735, plus strand): 5'-TGATTTCAGGGATGCCAGTAAAACTGTGAGCAGCCCACCCACCTCCCCAAGACCTGGCAG[T>C]GCTGCAACAGTATCTGCCTCTACAAGTAACATCATACCCCCAAGACACCAGAAACCTGCA-3'
Protein context (NP_008878.3, residues 620-640): SSPPTSPRPG[Ser630=]AATVSASTSN

ClinVar aggregate classification (germline): Likely benign. Review status: criteria provided, single submitter (1 of 4 stars). 2 submissions from 2 submitters: Likely benign (1). 1 of the submissions does not count toward it. Last evaluated 2025-07-19.

Conditions:
SRP72-related disorder. Also called: SRP72-related condition.

gnomAD v4.1: 2 of 1,614,054 alleles (0.00012%); highest among the groups gnomAD compares: Middle Eastern, 0.033%; no homozygotes.

Submissions (2):

Ambry Genetics
Classification: Likely benign. Last evaluated: 2025-07-19. Review status: criteria provided, single submitter. Criteria: Ambry Variant Classification Scheme 2023. Collection method: clinical testing. Allele origin: germline.

PreventionGenetics, part of Exact Sciences
Classification: Likely benign for SRP72-related condition. Last evaluated: 2024-06-13. Review status: no assertion criteria provided. Collection method: clinical testing. Allele origin: germline. Not counted in ClinVar's aggregate classification.
Comment: This variant is classified as likely benign based on ACMG/AMP sequence variant interpretation guidelines (Richards et al. 2015 PMID: 25741868, with internal and published modifications).